The following is an entry in ClinVar:

ClinVar aggregate classification (germline): Uncertain significance (1 of 4 stars; one submission).

Conditions:
Autosomal recessive severe congenital neutropenia due to CSF3R deficiency. Also called: Neutropenia, severe congenital, 7, autosomal recessive. Identifiers: Orphanet 420702, MedGen C4310764, MONDO:0014865, OMIM 617014.

gnomAD v4.1: 1 of 1,614,152 alleles (0.000062%); highest among the groups gnomAD compares: Admixed American, 0.0017%; no homozygotes.

Submission:

Labcorp Genetics (formerly Invitae), Labcorp
Classification: Uncertain significance for Autosomal recessive severe congenital neutropenia due to CSF3R deficiency. Last evaluated: 2025-02-15. Review status: criteria provided, single submitter. Criteria: Invitae Variant Classification Sherloc (09022015). Collection method: clinical testing. Allele origin: germline.
Comment: This sequence change replaces isoleucine, which is neutral and non-polar, with valine, which is neutral and non-polar, at codon 174 of the CSF3R protein (p.Ile174Val). This variant is present in population databases (no rsID available, gnomAD 0.003%). This variant has not been reported in the literature in individuals affected with CSF3R-related conditions. Invitae Evidence Modeling of protein sequence and biophysical properties (such as structural, functional, and spatial information, amino acid conservation, physicochemical variation, residue mobility, and thermodynamic stability) indicates that this missense variant is not expected to disrupt CSF3R protein function with a negative predictive value of 80%. In summary, the available evidence is currently insufficient to determine the role of this variant in disease. Therefore, it has been classified as a Variant of Uncertain Significance.

NM_000760.4(CSF3R):c.520A>G (p.Ile174Val)

Gene: CSF3R (colony stimulating factor 3 receptor; minus strand). Cytogenetic location: 1p34.3.
Variant type: single nucleotide variant.
Coding change: c.520A>G on transcript NM_000760.4 (MANE Select); coding-DNA position 520, A replaced by G.
Protein change: p.Ile174Val; replaces isoleucine 174 with valine.
Molecular consequence: missense variant.
Genome position (GRCh38, 1-based): chr1:36,473,588, T>C on the plus strand (A>G on the coding strand, the complement: CSF3R is on the minus strand). VCF-style: chr1-36473588-T-C. GRCh37 (hg19) VCF-style: chr1-36939189-T-C.
Other names: c.520A>G, p.Ile174Val (NM_156039.3, NM_172313.3); short protein forms I174V.
Identifiers: ClinVar variation 4803832 (VCV004803832.1).